The following is an entry in ClinVar:

ClinVar aggregate classification (germline): Likely benign (1 of 4 stars; one submission).

Allele frequency attached by ClinVar (database versions not stated): TOPMed 0.00008; gnomAD 0.00009; gnomAD exomes 0.00017; ExAC 0.00045; 1000 Genomes Project 30x 0.00062; 1000 Genomes Project 0.00080.
gnomAD v4.1: 272 of 1,613,032 alleles (0.017%); highest among the groups gnomAD compares: South Asian, 0.23%; 4 homozygotes.

Submission:

CeGaT Center for Human Genetics Tuebingen
Classification: Likely benign. Last evaluated: 2022-06-01. Review status: criteria provided, single submitter. Criteria: CeGaT Center For Human Genetics Tuebingen Variant Classification Criteria Version 2. Collection method: clinical testing. Allele origin: germline. Affected: yes. Observed: 1 variant allele.
Comment: DNAH17: BP4, BP7

NM_173628.4(DNAH17):c.1359C>T (p.Leu453=)

Gene: DNAH17 (dynein axonemal heavy chain 17; minus strand). Cytogenetic location: 17q25.3.
Variant type: single nucleotide variant.
Coding change: c.1359C>T on transcript NM_173628.4 (MANE Select); coding-DNA position 1359, C replaced by T.
Protein change: p.Leu453=; no amino-acid change (leucine 453 retained).
Molecular consequence: synonymous variant.
Genome position (GRCh38, 1-based): chr17:78,567,092, G>A on the plus strand (C>T on the coding strand, the complement: DNAH17 is on the minus strand). VCF-style: chr17-78567092-G-A. GRCh37 (hg19) VCF-style: chr17-76563174-G-A.
Identifiers: ClinVar variation 2648377 (VCV002648377.24), dbSNP rs368925617, ClinGen allele CA8805203.